The following is an entry in ClinVar:

NM_003489.4(NRIP1):c.1868C>T (p.Ala623Val)

Gene: NRIP1 (nuclear receptor interacting protein 1; minus strand). Cytogenetic location: 21q11.2.
Variant type: single nucleotide variant.
Coding change: c.1868C>T on transcript NM_003489.4 (MANE Select); coding-DNA position 1868, C replaced by T.
Protein change: p.Ala623Val; replaces alanine 623 with valine.
Molecular consequence: missense variant.
Genome position (GRCh38, 1-based): chr21:14,966,325, G>A on the plus strand (C>T on the coding strand, the complement: NRIP1 is on the minus strand). VCF-style: chr21-14966325-G-A. GRCh37 (hg19) VCF-style: chr21-16338646-G-A.
Other names: short protein forms A623V.
Identifiers: ClinVar variation 1339181 (VCV001339181.2), dbSNP rs2146928734, ClinGen allele CA409829149.
Genomic context (GRCh38, chr21:14,966,325, plus strand): 5'-ATGGATGACTGCATTCCACATTGTGCTAAATTTTGTAACAGCTTACTGGCACTAAACGTT[G>A]CAGAGTTCTGTGCACCTTCATTTTGGGCTGGTTTCTCTCCTGGTGGGTCTTTGCTTTTTG-3'
Protein context (NP_003480.2, residues 613-633): PAQNEGAQNS[Ala623Val]TFSASKLLQN

ClinVar aggregate classification (germline): Uncertain significance (1 of 4 stars; one submission).

Conditions:
Congenital anomalies of kidney and urinary tract 3. Identifiers: MedGen C4748921, MONDO:0032646, OMIM 618270.

Submission:

Neuberg Centre For Genomic Medicine, NCGM
Classification: Uncertain significance for Congenital anomalies of kidney and urinary tract 3. Review status: criteria provided, single submitter. Criteria: ACMG Guidelines, 2015. Collection method: clinical testing. Allele origin: germline. Affected: yes.
Comment: The missense variant p.A623V in NRIP1 (NM_003489.4) has not been reported previously as a pathogenic variant nor as a benign variant, to our knowledge. The p.A623V variant is novel (not in any individuals) in gnomAD Exomes and is novel (not in any individuals) in 1000 Genomes. The p.A623V missense variant is predicted to be damaging by both SIFT and PolyPhen2. The nucleotide c.1868 in NRIP1 is predicted conserved by GERP++ and PhyloP across 100 vertebrates. For these reasons, this variant has been classified as Uncertain Significance.